The following is an entry in ClinVar:

NM_001290060.2(SEMA3B):c.1701C>A (p.Ser567=)

Gene: SEMA3B (semaphorin 3B; plus strand). Cytogenetic location: 3p21.31.
Variant type: single nucleotide variant.
Coding change: c.1701C>A on transcript NM_001290060.2 (MANE Select); coding-DNA position 1701, C replaced by A.
Protein change: p.Ser567=; no amino-acid change (serine 567 retained).
Molecular consequence: synonymous variant. On other transcripts: non-coding transcript variant (1).
Genome position (GRCh38, 1-based): chr3:50,275,611, C>A. VCF-style: chr3-50275611-C-A. GRCh37 (hg19) VCF-style: chr3-50313042-C-A.
Other names: c.1698C>A, p.Ser566= (NM_001005914.3, NM_001435957.1, NM_001435958.1); c.1716C>A, p.Ser572= (NM_001290061.1); c.672C>A, p.Ser224= (NM_001290062.2, NM_001290063.2); c.1701C>A, p.Ser567= (NM_001435956.1, NM_004636.4).
Identifiers: ClinVar variation 4982445 (VCV004982445.1).

ClinVar aggregate classification (germline): Likely benign (1 of 4 stars; one submission).

Conditions:
SEMA3B-related disorder. Also called: SEMA3B-related condition.

gnomAD v4.1: 6 of 1,613,702 alleles (0.00037%); highest among the groups gnomAD compares: Non-Finnish European, 0.00051%; no homozygotes.

Submission:

PreventionGenetics, part of Exact Sciences
Classification: Likely benign for SEMA3B-related condition. Last evaluated: 2025-11-19. Review status: criteria provided, single submitter. Criteria: ACMG Guidelines, 2015. Collection method: clinical testing. Allele origin: germline.
Comment: This variant is classified as likely benign based on ACMG/AMP sequence variant interpretation guidelines (Richards et al. 2015 PMID: 25741868, with internal and published modifications).